The following is an entry in ClinVar:

NM_000540.3(RYR1):c.3557-10_3562del

Gene: RYR1 (ryanodine receptor 1; plus strand). Cytogenetic location: 19q13.2.
Variant type: Deletion.
Coding change: c.3557-10_3562del on transcript NM_000540.3 (MANE Select); 10 bases into the intron before coding-DNA position 3557 through coding-DNA position 3562, 16 bases deleted (CTCCCACCAGGCTTCC).
Molecular consequence: splice acceptor variant.
Genome position (GRCh38, 1-based): chr19:38,469,295-38,469,310, CTCCCACCAGGCTTCC deleted; deleting any 16 consecutive bases within chr19:38,469,293-38,469,310 gives the same sequence; the c. name uses the placement nearest the transcript's 3' end. VCF-style (leftmost placement, unchanged base first): chr19-38469292-CCCCTCCCACCAGGCTT-C. GRCh37 (hg19) VCF-style: chr19-38959932-CCCCTCCCACCAGGCTT-C.
Other names: c.3557-10_3562del (NM_001042723.2).
Identifiers: ClinVar variation 2734357 (VCV002734357.3), dbSNP rs1968291835, ClinGen allele CA2335038400.

ClinVar aggregate classification (germline): Likely pathogenic (1 of 4 stars; one submission).

Conditions:
RYR1-related disorder. Also called: RYR1-related condition; RYR1-related disorders. Identifiers: MedGen CN239331.

Submission:

Labcorp Genetics (formerly Invitae), Labcorp
Classification: Likely pathogenic for RYR1-related disorder. Last evaluated: 2023-07-08. Review status: criteria provided, single submitter. Criteria: Invitae Variant Classification Sherloc (09022015). Collection method: clinical testing. Allele origin: germline.
Comment: In summary, the currently available evidence indicates that the variant is pathogenic, but additional data are needed to prove that conclusively. Therefore, this variant has been classified as Likely Pathogenic. Algorithms developed to predict the effect of sequence changes on RNA splicing suggest that this variant may disrupt the consensus splice site. This variant has not been reported in the literature in individuals affected with RYR1-related conditions. This variant is not present in population databases (gnomAD no frequency). This variant results in the deletion of part of exon 27 (c.3557-10_3562del) of the RYR1 gene. It is expected to disrupt RNA splicing. Variants that disrupt the donor or acceptor splice site typically lead to a loss of protein function (PMID: 16199547), and loss-of-function variants in RYR1 are known to be pathogenic (PMID: 23919265, 25960145, 28818389, 30611313).

Literature cited by the submitters: PubMed 16199547; PubMed 23919265; PubMed 25960145; PubMed 28818389; PubMed 30611313.